The following is an entry in ClinVar:

NM_003611.3(OFD1):c.2163A>T (p.Ala721=)

Gene: OFD1 (OFD1 centriole and centriolar satellite protein; plus strand). Cytogenetic location: Xp22.2.
Variant type: single nucleotide variant.
Coding change: c.2163A>T on transcript NM_003611.3 (MANE Select); coding-DNA position 2163, A replaced by T.
Protein change: p.Ala721=; no amino-acid change (alanine 721 retained).
Molecular consequence: synonymous variant.
Genome position (GRCh38, 1-based): chrX:13,760,623, A>T. VCF-style: chrX-13760623-A-T. GRCh37 (hg19) VCF-style: chrX-13778742-A-T.
Other names: c.2043A>T, p.Ala681= (NM_001330209.2); c.1743A>T, p.Ala581= (NM_001330210.2).
Identifiers: ClinVar variation 3344392 (VCV003344392.1).

ClinVar aggregate classification (germline): Likely benign (0 of 4 stars; one submission).

Conditions:
OFD1-related disorder. Also called: OFD1-related condition.

Submission:

PreventionGenetics, part of Exact Sciences
Classification: Likely benign for OFD1-related condition. Last evaluated: 2024-09-01. Review status: no assertion criteria provided. Collection method: clinical testing. Allele origin: germline.
Comment: This variant is classified as likely benign based on ACMG/AMP sequence variant interpretation guidelines (Richards et al. 2015 PMID: 25741868, with internal and published modifications).